The following is an entry in ClinVar:

ClinVar aggregate classification (germline): Pathogenic (1 of 4 stars; one submission).

Submission:

Labcorp Genetics (formerly Invitae), Labcorp
Classification: Pathogenic. Last evaluated: 2025-05-19. Review status: criteria provided, single submitter. Criteria: Invitae Variant Classification Sherloc (09022015). Collection method: clinical testing. Allele origin: germline.
Comment: This sequence change creates a premature translational stop signal (p.Trp1328*) in the SPTB gene. It is expected to result in an absent or disrupted protein product. Loss-of-function variants in SPTB are known to be pathogenic (PMID: 1391962, 1498324, 8844207, 26830532, 27292444). This variant is not present in population databases (gnomAD no frequency). This premature translational stop signal has been observed in individual(s) with hereditary spherocytosis (PMID: 34335240). For these reasons, this variant has been classified as Pathogenic.

Literature cited by the submitters: PubMed 1391962; PubMed 1498324; PubMed 8844207; PubMed 26830532; PubMed 27292444; PubMed 34335240.

NM_001355436.2(SPTB):c.3983G>A (p.Trp1328Ter)

Gene: SPTB (spectrin beta, erythrocytic; minus strand). Cytogenetic location: 14q23.3.
Variant type: single nucleotide variant.
Coding change: c.3983G>A on transcript NM_001355436.2 (MANE Select); coding-DNA position 3983, G replaced by A.
Protein change: p.Trp1328Ter; replaces tryptophan 1328 with a stop codon.
Molecular consequence: nonsense.
Genome position (GRCh38, 1-based): chr14:64,784,266, C>T on the plus strand (G>A on the coding strand, the complement: SPTB is on the minus strand). VCF-style: chr14-64784266-C-T. GRCh37 (hg19) VCF-style: chr14-65250984-C-T.
Other names: c.3983G>A, p.Trp1328Ter (NM_001024858.4, NM_001355437.2); short protein forms W1328*.
Identifiers: ClinVar variation 4719844 (VCV004719844.1).
Genomic context (GRCh38, chr14:64,784,266, plus strand): 5'-CTGAGCAGAGCACCCACCCGCCGCCCAATCACTTTACTTACCGCATCGATGTTCTCTAGC[C>T]ACCCTTCATGGGAAGCCAGCTCTGCCACAAACGCCTGGTGCTTTAGCCATTTATTGTGAA-3'